The following is an entry in ClinVar:

NM_001267550.2(TTN):c.102181C>T (p.Arg34061Cys)

Genes: TTN (titin; minus strand), TTN-AS1 (TTN antisense RNA 1; plus strand). Cytogenetic location: 2q31.2.
Variant type: single nucleotide variant.
Coding change: c.102181C>T on transcript NM_001267550.2 (MANE Select); coding-DNA position 102181, C replaced by T.
Protein change: p.Arg34061Cys; replaces arginine 34061 with cysteine.
Molecular consequence: missense variant.
Genome position (GRCh38, 1-based): chr2:178,534,434, G>A on the plus strand (C>T on the coding strand, the complement: TTN is on the minus strand). VCF-style: chr2-178534434-G-A. GRCh37 (hg19) VCF-style: chr2-179399161-G-A.
Other names: c.97258C>T, p.Arg32420Cys (NM_001256850.1); c.74986C>T, p.Arg24996Cys (NM_003319.4); c.94477C>T, p.Arg31493Cys (NM_133378.4); c.75361C>T, p.Arg25121Cys (NM_133432.3); c.75562C>T, p.Arg25188Cys (NM_133437.4); short protein forms R25188C, R32420C, R31493C, R34061C, R24996C, R25121C.
Identifiers: ClinVar variation 946561 (VCV000946561.8), dbSNP rs879220772, ClinGen allele CA60959427.

ClinVar aggregate classification (germline): Uncertain significance. Review status: criteria provided, multiple submitters, no conflicts (2 of 4 stars). 2 submissions from 2 submitters: Uncertain significance (2). Last evaluated 2026-02-24.

Conditions:
Autosomal recessive limb-girdle muscular dystrophy type 2J (LGMDR10). Also called: Limb-girdle muscular dystrophy, type 2J; MUSCULAR DYSTROPHY, LIMB-GIRDLE, AUTOSOMAL RECESSIVE 10. Identifiers: Orphanet 140922, MedGen C1837342, MONDO:0012127, OMIM 608807.
Dilated cardiomyopathy 1G (CMD1G). Identifiers: Orphanet 154, MedGen C1858763, MONDO:0011400, OMIM 604145.
TTN-related disorder. Also called: TTN-related condition; TTN-related disease; TTN-related disorders.

Allele frequency attached by ClinVar (database versions not stated): gnomAD exomes 0.00001; gnomAD 0.00002 and 0.00003; TOPMed 0.00002.
gnomAD v4.1: 7 of 1,612,404 alleles (0.00043%); highest among the groups gnomAD compares: African/African-American, 0.004%; no homozygotes.

Submissions (2):

PreventionGenetics, part of Exact Sciences
Classification: Uncertain significance for TTN-related condition. Last evaluated: 2026-02-24. Review status: criteria provided, single submitter. Criteria: ACMG Guidelines, 2015. Collection method: clinical testing. Allele origin: germline.
Comment: The TTN c.102181C>T variant is predicted to result in the amino acid substitution p.Arg34061Cys. To our knowledge, this variant has not been reported in the literature or in a large population database (gnomAD), indicating this variant is rare. At this time, the clinical significance of this variant is uncertain due to the absence of conclusive functional and genetic evidence.

Labcorp Genetics (formerly Invitae), Labcorp
Classification: Uncertain significance for Dilated cardiomyopathy 1G; Autosomal recessive limb-girdle muscular dystrophy type 2J. Last evaluated: 2024-02-18. Review status: criteria provided, single submitter. Criteria: Invitae Variant Classification Sherloc (09022015). Collection method: clinical testing. Allele origin: germline.
Comment: This sequence change replaces arginine, which is basic and polar, with cysteine, which is neutral and slightly polar, at codon 34061 of the TTN protein (p.Arg34061Cys). This variant is not present in population databases (gnomAD no frequency). This variant has not been reported in the literature in individuals affected with TTN-related conditions. ClinVar contains an entry for this variant (Variation ID: 946561). Experimental studies and prediction algorithms are not available or were not evaluated, and the functional significance of this variant is currently unknown. This variant is located in the M band of TTN (PMID: 25589632). Non-truncating variants in this region may be relevant for neuromuscular disorders, but have not been definitively shown to cause cardiomyopathy (PMID: 23975875). In summary, the available evidence is currently insufficient to determine the role of this variant in disease. Therefore, it has been classified as a Variant of Uncertain Significance.

Literature cited by the submitters: PubMed 25589632 (cited by Labcorp Genetics (formerly Invitae), Labcorp); PubMed 23975875 (cited by Labcorp Genetics (formerly Invitae), Labcorp).